The following is an entry in ClinVar:

NM_138927.4(SON):c.4301C>G (p.Ser1434Ter)

Gene: SON (SON DNA and RNA binding protein; plus strand). Cytogenetic location: 21q22.11.
Variant type: single nucleotide variant.
Coding change: c.4301C>G on transcript NM_138927.4 (MANE Select); coding-DNA position 4301, C replaced by G.
Protein change: p.Ser1434Ter; replaces serine 1434 with a stop codon.
Molecular consequence: nonsense. On other transcripts: non-coding transcript variant (1), intron variant (1).
Genome position (GRCh38, 1-based): chr21:33,553,532, C>G. VCF-style: chr21-33553532-C-G. GRCh37 (hg19) VCF-style: chr21-34925838-C-G.
Other names: c.4301C>G, p.Ser1434Ter (NM_001291411.2, NM_032195.3); c.245-3624C>G (NM_001291412.3); short protein forms S1434*.
Identifiers: ClinVar variation 4855273 (VCV004855273.1).

ClinVar aggregate classification (germline): Likely pathogenic (1 of 4 stars; one submission).

Conditions:
ZTTK syndrome (ZTTKS). Also called: ZTTK MULTIPLE CONGENITAL ANOMALIES-MENTAL RETARDATION SYNDROME; Zhu-Tokita-Takenouchi-Kim Syndrome. Identifiers: Orphanet 500150, MedGen C4310696, MONDO:0014936, OMIM 617140.

Submission:

3billion
Classification: Likely pathogenic for ZTTK syndrome. Last evaluated: 2025-07-16. Review status: criteria provided, single submitter. Criteria: ACMG Guidelines, 2015. Collection method: clinical testing. Allele origin: germline. Affected: yes.
Comment: The variant is not observed in the gnomAD v4.1.0 dataset. Predicted Consequence/Location: Stop-gained (nonsense): predicted to result in a loss or disruption of normal protein function through nonsense-mediated decay (NMD) or protein truncation. Multiple pathogenic variants are reported downstream of the variant. Therefore, this variant is classified as Likely pathogenic according to the recommendation of ACMG/AMP guideline.